The following is an entry in ClinVar:

ClinVar aggregate classification (germline): Uncertain significance. Review status: criteria provided, multiple submitters, no conflicts (2 of 4 stars). 2 submissions from 2 submitters: Uncertain significance (2). Last evaluated 2025-10-22.

Conditions:
Congenital factor V deficiency. Also called: Hereditary factor V deficiency disease; LABILE FACTOR DEFICIENCY; OWREN PARAHEMOPHILIA; PARAHEMOPHILIA. Identifiers: Orphanet 326, MedGen C0015499, MONDO:0009210, OMIM 227400.
Inborn genetic diseases. Identifiers: MedGen C0950123, MeSH D030342.

gnomAD v4.1: 65 of 1,613,900 alleles (0.004%); highest among the groups gnomAD compares: African/African-American, 0.076%; no homozygotes.

Submissions (2):

Labcorp Genetics (formerly Invitae), Labcorp
Classification: Uncertain significance for Congenital factor V deficiency. Last evaluated: 2025-10-22. Review status: criteria provided, single submitter. Criteria: Invitae Variant Classification Sherloc (09022015). Collection method: clinical testing. Allele origin: germline.
Comment: This sequence change replaces serine, which is neutral and polar, with threonine, which is neutral and polar, at codon 672 of the F5 protein (p.Ser672Thr). This variant is present in population databases (rs200240938, gnomAD 0.06%). This variant has not been reported in the literature in individuals affected with F5-related conditions. ClinVar contains an entry for this variant (Variation ID: 3276983). Invitae Evidence Modeling of protein sequence and biophysical properties (such as structural, functional, and spatial information, amino acid conservation, physicochemical variation, residue mobility, and thermodynamic stability) has been performed for this missense variant. However, the output from this modeling did not meet the statistical confidence thresholds required to predict the impact of this variant on F5 protein function. In summary, the available evidence is currently insufficient to determine the role of this variant in disease. Therefore, it has been classified as a Variant of Uncertain Significance.

Ambry Genetics
Classification: Uncertain significance for Inborn genetic diseases. Last evaluated: 2024-03-19. Review status: criteria provided, single submitter. Criteria: Ambry Variant Classification Scheme 2023. Collection method: clinical testing. Allele origin: germline.

NM_000130.5(F5):c.2015G>C (p.Ser672Thr)

Gene: F5 (coagulation factor V; minus strand). Cytogenetic location: 1q24.2.
Variant type: single nucleotide variant.
Coding change: c.2015G>C on transcript NM_000130.5 (MANE Select); coding-DNA position 2015, G replaced by C.
Protein change: p.Ser672Thr; replaces serine 672 with threonine.
Molecular consequence: missense variant.
Genome position (GRCh38, 1-based): chr1:169,543,075, C>G on the plus strand (G>C on the coding strand, the complement: F5 is on the minus strand). VCF-style: chr1-169543075-C-G. GRCh37 (hg19) VCF-style: chr1-169512313-C-G.
Other names: short protein forms S672T.
Identifiers: ClinVar variation 3276983 (VCV003276983.2).